The following is an entry in ClinVar:

ClinVar aggregate classification (germline): Likely benign (1 of 4 stars; one submission).

Allele frequency attached by ClinVar (database versions not stated): gnomAD exomes 0.00105 and 0.00297; ExAC 0.00378; gnomAD 0.01085 and 0.01154; ESP Exome Variant Server 0.01192; TOPMed 0.01234; 1000 Genomes Project 0.01478; 1000 Genomes Project 30x 0.01749.
gnomAD v4.1: 3,155 of 1,549,074 alleles (0.2%); highest among the groups gnomAD compares: African/African-American, 3.8%; 55 homozygotes.

Submission:

GeneDx
Classification: Likely benign. Last evaluated: 2018-06-16. Review status: criteria provided, single submitter. Criteria: GeneDx Variant Classification (06012015). Collection method: clinical testing. Allele origin: germline. Affected: yes.
Comment: This variant is considered likely benign or benign based on one or more of the following criteria: it is a conservative change, it occurs at a poorly conserved position in the protein, it is predicted to be benign by multiple in silico algorithms, and/or has population frequency not consistent with disease.

NM_005045.4(RELN):c.10182-40C>T

Genes: RELN (reelin; minus strand), SLC26A5-AS1 (SLC26A5 antisense RNA 1; plus strand). Cytogenetic location: 7q22.1.
Variant type: single nucleotide variant.
Coding change: c.10182-40C>T on transcript NM_005045.4 (MANE Select); 40 bases into the intron before coding-DNA position 10182, C replaced by T.
Molecular consequence: intron variant.
Genome position (GRCh38, 1-based): chr7:103,483,011, G>A on the plus strand (C>T on the coding strand, the complement: RELN is on the minus strand). VCF-style: chr7-103483011-G-A. GRCh37 (hg19) VCF-style: chr7-103123458-G-A.
Other names: c.10182-40C>T (NM_173054.3).
Identifiers: ClinVar variation 676919 (VCV000676919.1), dbSNP rs115105042, ClinGen allele CA4420022.